The following is an entry in ClinVar:

NM_004656.4(BAP1):c.1709_1710insC (p.Ser571fs)

Gene: BAP1 (BRCA1 associated deubiquitinase 1; minus strand). Cytogenetic location: 3p21.1.
Variant type: Insertion.
Coding change: c.1709_1710insC on transcript NM_004656.4 (MANE Select); coding-DNA positions 1709 to 1710, C inserted.
Protein change: p.Ser571fs; shifts the reading frame from serine 571.
Molecular consequence: frameshift variant.
Genome position: GRCh38 VCF-style: chr3-52403435-C-CG. GRCh37 (hg19) VCF-style: chr3-52437451-C-CG.
Other names: c.1655_1656insC, p.Ser553Glufs (NM_001410772.1); short protein forms S571fs.
Identifiers: ClinVar variation 1778502 (VCV001778502.6), dbSNP rs2471326669, ClinGen allele CA2580070225.

ClinVar aggregate classification (germline): Pathogenic. Review status: criteria provided, multiple submitters, no conflicts (2 of 4 stars). 3 submissions from 3 submitters: Pathogenic (3). Last evaluated 2026-05-15.

Conditions:
Hereditary cancer-predisposing syndrome. Also called: Neoplastic Syndromes, Hereditary; Tumor predisposition; Hereditary neoplastic syndrome; Hereditary Cancer Syndrome. Identifiers: Orphanet 140162, MedGen C0027672, MeSH D009386, MONDO:0015356.
BAP1-related tumor predisposition syndrome (TPDS1). Also called: Tumor susceptibility linked to germline BAP1 mutations; COMMON Syndrome; TUMOR PREDISPOSITION SYNDROME 1; BAP1 tumor predisposition syndrome. Identifiers: Orphanet 289539, MedGen C3280492, MONDO:0013692, OMIM 614327.

Submissions (3):

Myriad Genetics, Inc.
Classification: Pathogenic for BAP1-related tumor predisposition syndrome. Last evaluated: 2026-05-15. Review status: criteria provided, single submitter. Criteria: Myriad Autosomal Dominant, Autosomal Recessive and X-Linked Classification Criteria (2023). Collection method: clinical testing. Allele origin: unknown.
Comment: This variant is considered pathogenic. This variant creates a frameshift predicted to result in premature protein truncation.

Labcorp Genetics (formerly Invitae), Labcorp
Classification: Pathogenic for BAP1-related tumor predisposition syndrome. Last evaluated: 2023-09-04. Review status: criteria provided, single submitter. Criteria: Invitae Variant Classification Sherloc (09022015). Collection method: clinical testing. Allele origin: germline.
Comment: This sequence change creates a premature translational stop signal (p.Ser571Glufs*72) in the BAP1 gene. It is expected to result in an absent or disrupted protein product. Loss-of-function variants in BAP1 are known to be pathogenic (PMID: 21874000, 23684012). This variant is not present in population databases (gnomAD no frequency). This variant has not been reported in the literature in individuals affected with BAP1-related conditions. ClinVar contains an entry for this variant (Variation ID: 1778502). For these reasons, this variant has been classified as Pathogenic.

Ambry Genetics
Classification: Pathogenic for Hereditary cancer-predisposing syndrome. Last evaluated: 2020-02-24. Review status: criteria provided, single submitter. Criteria: Ambry Variant Classification Scheme 2023. Collection method: clinical testing. Allele origin: germline.
Comment: The c.1709_1710insC variant, located in coding exon 13 of the BAP1 gene, results from an insertion of one nucleotide at position 1709, causing a translational frameshift with a predicted alternate stop codon (p.S571Efs*72). This alteration is expected to result in loss of function by premature protein truncation or nonsense-mediated mRNA decay. As such, this alteration is interpreted as a disease-causing mutation.

Literature cited by the submitters: PubMed 21874000 (cited by Labcorp Genetics (formerly Invitae), Labcorp); PubMed 23684012 (cited by Labcorp Genetics (formerly Invitae), Labcorp).